The following is an entry in ClinVar:

NM_022772.4(EPS8L2):c.1489G>A (p.Val497Ile)

Gene: EPS8L2 (EPS8 signaling adaptor L2; plus strand). Cytogenetic location: 11p15.5.
Variant type: single nucleotide variant.
Coding change: c.1489G>A on transcript NM_022772.4 (MANE Select); coding-DNA position 1489, G replaced by A.
Protein change: p.Val497Ile; replaces valine 497 with isoleucine.
Molecular consequence: missense variant.
Genome position (GRCh38, 1-based): chr11:724,758, G>A. VCF-style: chr11-724758-G-A. GRCh37 (hg19) VCF-style: chr11-724758-G-A.
Other names: c.1489G>A (NM_022772.3); short protein forms V497I.
Identifiers: ClinVar variation 1461824 (VCV001461824.7), dbSNP rs369088154, ClinGen allele CA5787667.

ClinVar aggregate classification (germline): Uncertain significance. Review status: criteria provided, multiple submitters, no conflicts (2 of 4 stars). 2 submissions from 2 submitters: Uncertain significance (2). Last evaluated 2024-02-24.

gnomAD v4.1: 51 of 1,613,566 alleles (0.0032%); highest among the groups gnomAD compares: South Asian, 0.0055%; no homozygotes.

Submissions (2):

Labcorp Genetics (formerly Invitae), Labcorp
Classification: Uncertain significance. Last evaluated: 2024-02-24. Review status: criteria provided, single submitter. Criteria: Invitae Variant Classification Sherloc (09022015). Collection method: clinical testing. Allele origin: germline.
Comment: This sequence change replaces valine, which is neutral and non-polar, with isoleucine, which is neutral and non-polar, at codon 497 of the EPS8L2 protein (p.Val497Ile). This variant is present in population databases (rs369088154, gnomAD 0.008%). This variant has not been reported in the literature in individuals affected with EPS8L2-related conditions. ClinVar contains an entry for this variant (Variation ID: 1461824). An algorithm developed to predict the effect of missense changes on protein structure and function (PolyPhen-2) suggests that this variant is likely to be disruptive. In summary, the available evidence is currently insufficient to determine the role of this variant in disease. Therefore, it has been classified as a Variant of Uncertain Significance.

Ambry Genetics
Classification: Uncertain significance. Last evaluated: 2023-05-24. Review status: criteria provided, single submitter. Criteria: Ambry Variant Classification Scheme 2023. Collection method: clinical testing. Allele origin: germline.